The following is an entry in ClinVar:

ClinVar aggregate classification (germline): Benign/Likely benign. Review status: criteria provided, multiple submitters, no conflicts (2 of 4 stars). 3 submissions from 3 submitters: Benign (2); Likely benign (1). Last evaluated 2026-01-27.

Conditions:
PLXNA2-related disorder. Also called: PLXNA2-related condition.

Allele frequency attached by ClinVar (database versions not stated): gnomAD exomes 0.00333 and 0.00364; ExAC 0.00360; 1000 Genomes Project 0.00100; 1000 Genomes Project 30x 0.00125; TOPMed 0.00246; ESP Exome Variant Server 0.00308; gnomAD 0.00321 and 0.00324.
gnomAD v4.1: 5,325 of 1,614,176 alleles (0.33%); highest among the groups gnomAD compares: Non-Finnish European, 0.33%; 34 homozygotes.

Submissions (3):

Labcorp Genetics (formerly Invitae), Labcorp
Classification: Benign. Last evaluated: 2026-01-27. Review status: criteria provided, single submitter. Criteria: Invitae Variant Classification Sherloc (09022015). Collection method: clinical testing. Allele origin: germline.

PreventionGenetics, part of Exact Sciences
Classification: Benign for PLXNA2-related condition. Last evaluated: 2024-11-07. Review status: criteria provided, single submitter. Criteria: ACMG Guidelines, 2015. Collection method: clinical testing. Allele origin: germline.
Comment: This variant is classified as benign based on ACMG/AMP sequence variant interpretation guidelines (Richards et al. 2015 PMID: 25741868, with internal and published modifications).

CeGaT Center for Human Genetics Tuebingen
Classification: Likely benign. Last evaluated: 2022-07-01. Review status: criteria provided, single submitter. Criteria: CeGaT Center For Human Genetics Tuebingen Variant Classification Criteria Version 2. Collection method: clinical testing. Allele origin: germline. Affected: yes. Observed: 1 variant allele.
Comment: PLXNA2: BP4, BP7, BS2

NM_025179.4(PLXNA2):c.5334C>T (p.Phe1778=)

Gene: PLXNA2 (plexin A2; minus strand). Cytogenetic location: 1q32.2.
Variant type: single nucleotide variant.
Coding change: c.5334C>T on transcript NM_025179.4 (MANE Select); coding-DNA position 5334, C replaced by T.
Protein change: p.Phe1778=; no amino-acid change (phenylalanine 1778 retained).
Molecular consequence: synonymous variant.
Genome position (GRCh38, 1-based): chr1:208,028,934, G>A on the plus strand (C>T on the coding strand, the complement: PLXNA2 is on the minus strand). VCF-style: chr1-208028934-G-A. GRCh37 (hg19) VCF-style: chr1-208202279-G-A.
Identifiers: ClinVar variation 787579 (VCV000787579.35), dbSNP rs113155197, ClinGen allele CA1372582.